The following is an entry in ClinVar:

NM_003128.3(SPTBN1):c.763+3A>G

Gene: SPTBN1 (spectrin beta, non-erythrocytic 1; plus strand). Cytogenetic location: 2p16.2.
Variant type: single nucleotide variant.
Coding change: c.763+3A>G on transcript NM_003128.3 (MANE Select); 3 bases into the intron after coding-DNA position 763, A replaced by G.
Molecular consequence: intron variant.
Genome position (GRCh38, 1-based): chr2:54,618,196, A>G. VCF-style: chr2-54618196-A-G. GRCh37 (hg19) VCF-style: chr2-54845333-A-G.
Other names: c.724+3A>G (NM_178313.3).
Identifiers: ClinVar variation 4072733 (VCV004072733.1).
Genomic context (GRCh38, chr2:54,618,196, plus strand): 5'-AATGCATTTAATCTGGCAGAACAGCACCTCGGCCTCACTAAACTGTTGGACCCCGAAGGT[A>G]GGGACTCAAGGGATTACAGGTGGGATTTTTAGCATCTGTACCATCCAGGTGTTAATGTAA-3'

ClinVar aggregate classification (germline): Uncertain significance (1 of 4 stars; one submission).

Submission:

GeneDx
Classification: Uncertain significance. Last evaluated: 2025-02-02. Review status: criteria provided, single submitter. Criteria: GeneDx Variant Classification Process June 2021. Collection method: clinical testing. Allele origin: germline. Affected: yes.
Comment: Not observed at significant frequency in large population cohorts (gnomAD); In silico analysis suggests this variant may impact gene splicing. In the absence of RNA/functional studies, the actual effect of this sequence change is unknown; Has not been previously published as pathogenic or benign to our knowledge